The following is an entry in ClinVar:

ClinVar aggregate classification (germline): Uncertain significance. Review status: criteria provided, multiple submitters, no conflicts (2 of 4 stars). 6 submissions from 6 submitters: Uncertain significance (4). 2 of the submissions do not count toward it. Last evaluated 2026-01-28.

Conditions:
MYO5A-related disorder. Also called: MYO5A-related condition.
Inborn genetic diseases. Identifiers: MedGen C0950123, MeSH D030342.

Allele frequency attached by ClinVar (database versions not stated): ExAC 0.00039; gnomAD exomes 0.00045 and 0.00094; TOPMed 0.00059; ESP Exome Variant Server 0.00065; gnomAD 0.00065 and 0.00066; 1000 Genomes Project 0.00080; 1000 Genomes Project 30x 0.00094.
gnomAD v4.1: 1,485 of 1,613,756 alleles (0.092%); highest among the groups gnomAD compares: Non-Finnish European, 0.11%; 2 homozygotes.

Submissions (6):

Women's Health and Genetics/Laboratory Corporation of America, LabCorp
Classification: Uncertain significance. Last evaluated: 2026-01-28. Review status: criteria provided, single submitter. Criteria: LabCorp Variant Classification Summary - May 2015. Collection method: clinical testing. Allele origin: germline.
Comment: Variant summary: MYO5A c.3377T>G (p.Phe1126Cys) results in a non-conservative amino acid change in the encoded protein sequence. Algorithms developed to predict the effect of missense changes on protein structure and function are either unavailable or do not agree on the potential impact of this missense change. The variant allele was found at a frequency of 0.00045 in 249130 control chromosomes. This frequency is not significantly higher than estimated for disease-causing variants in MYO5A, allowing no conclusion about variant significance. To our knowledge, no occurrence of c.3377T>G in individuals affected with MYO5A-related conditions and no experimental evidence demonstrating its impact on protein function have been reported. ClinVar contains an entry for this variant (Variation ID: 1049626). Based on the evidence outlined above, the variant was classified as uncertain significance.

Ambry Genetics
Classification: Uncertain significance for Inborn genetic diseases. Last evaluated: 2025-10-15. Review status: criteria provided, single submitter. Criteria: Ambry Variant Classification Scheme 2023. Collection method: clinical testing. Allele origin: germline.

Labcorp Genetics (formerly Invitae), Labcorp
Classification: Uncertain significance. Last evaluated: 2025-01-23. Review status: criteria provided, single submitter. Criteria: Invitae Variant Classification Sherloc (09022015). Collection method: clinical testing. Allele origin: germline.
Comment: This sequence change replaces phenylalanine, which is neutral and non-polar, with cysteine, which is neutral and slightly polar, at codon 1126 of the MYO5A protein (p.Phe1126Cys). This variant is present in population databases (rs199984961, gnomAD 0.08%), and has an allele count higher than expected for a pathogenic variant. This variant has not been reported in the literature in individuals affected with MYO5A-related conditions. ClinVar contains an entry for this variant (Variation ID: 1049626). An algorithm developed to predict the effect of missense changes on protein structure and function (PolyPhen-2) suggests that this variant is likely to be disruptive. In summary, the available evidence is currently insufficient to determine the role of this variant in disease. Therefore, it has been classified as a Variant of Uncertain Significance.

Breakthrough Genomics
Classification: Uncertain significance. Review status: criteria provided, single submitter. Criteria: ACMG Guidelines, 2015. Collection method: not provided. Allele origin: germline. Inheritance: Autosomal recessive inheritance. Affected: yes.

PreventionGenetics, part of Exact Sciences
Classification: Uncertain significance for MYO5A-related condition. Last evaluated: 2024-05-21. Review status: no assertion criteria provided. Collection method: clinical testing. Allele origin: germline. Not counted in ClinVar's aggregate classification.
Comment: The MYO5A c.3377T>G variant is predicted to result in the amino acid substitution p.Phe1126Cys. To our knowledge, this variant has not been reported in the literature. This variant is reported in 0.078% of alleles in individuals of European (Non-Finnish) descent in gnomAD. Although we suspect that this variant may be benign, at this time, the clinical significance of this variant is uncertain due to the absence of conclusive functional and genetic evidence.

Department of Pathology and Laboratory Medicine, Sinai Health System
Classification: Uncertain significance. Review status: no assertion criteria provided. Collection method: clinical testing. Allele origin: unknown. Affected: yes. Study: The Canadian Open Genetics Repository (COGR). Not counted in ClinVar's aggregate classification.
Comment: The MYO5A p.Phe1126Cys variant was not identified in the literature nor was it identified in ClinVar. The variant was identified in dbSNP (ID: rs199984961) and in control databases in 134 of 280540 chromosomes at a frequency of 0.0004777 increasing the likelihood this could be a low frequency benign variant (Genome Aggregation Database March 6, 2019, v2.1.1). The variant was observed in the following populations: Other in 6 of 7128 chromosomes (freq: 0.000842), European (non-Finnish) in 100 of 128530 chromosomes (freq: 0.000778), Ashkenazi Jewish in 7 of 10344 chromosomes (freq: 0.000677), Latino in 15 of 35302 chromosomes (freq: 0.000425) and African in 6 of 24172 chromosomes (freq: 0.000248), but was not observed in the East Asian, European (Finnish), or South Asian populations. The p.Phe1126 residue is conserved across mammals and other organisms, and four out of five computational analyses (PolyPhen-2, SIFT, AlignGVGD, BLOSUM, MutationTaster) suggest that the variant may impact the protein; however, this information is not predictive enough to assume pathogenicity. The variant occurs outside of the splicing consensus sequence and in silico or computational prediction software programs (SpliceSiteFinder, MaxEntScan, NNSPLICE, GeneSplicer) do not predict a difference in splicing. In summary, based on the above information the clinical significance of this variant cannot be determined with certainty at this time. This variant is classified as a variant of uncertain significance.

NM_001382347.1(MYO5A):c.3377T>G (p.Phe1126Cys)

Gene: MYO5A (myosin VA; minus strand). Cytogenetic location: 15q21.2.
Variant type: single nucleotide variant.
Coding change: c.3377T>G on transcript NM_001382347.1 (MANE Select); coding-DNA position 3377, T replaced by G.
Protein change: p.Phe1126Cys; replaces phenylalanine 1126 with cysteine.
Molecular consequence: missense variant.
Genome position (GRCh38, 1-based): chr15:52,360,014, A>C on the plus strand (T>G on the coding strand, the complement: MYO5A is on the minus strand). VCF-style: chr15-52360014-A-C. GRCh37 (hg19) VCF-style: chr15-52652211-A-C.
Other names: c.3377T>G, p.Phe1126Cys (NM_000259.3, NM_001142495.2); c.3449T>G, p.Phe1150Cys (NM_001382348.1, NM_001382349.1); short protein forms F1126C, F1150C.
Identifiers: ClinVar variation 1049626 (VCV001049626.9), dbSNP rs199984961, ClinGen allele CA7568436.